The following is an entry in ClinVar:

ClinVar aggregate classification (germline): Uncertain significance (1 of 4 stars; one submission).

Conditions:
Early-infantile DEE. Also called: Early infantile epileptic encephalopathy with suppression bursts; Early infantile epileptic encephalopathy; Ohtahara syndrome. Identifiers: Orphanet 1934, MedGen C0393706, MONDO:0800491.

Submission:

Labcorp Genetics (formerly Invitae), Labcorp
Classification: Uncertain significance for Early-infantile DEE. Last evaluated: 2023-10-24. Review status: criteria provided, single submitter. Criteria: Invitae Variant Classification Sherloc (09022015). Collection method: clinical testing. Allele origin: germline.
Comment: This sequence change replaces valine, which is neutral and non-polar, with alanine, which is neutral and non-polar, at codon 659 of the SCN1A protein (p.Val659Ala). This variant is not present in population databases (gnomAD no frequency). This variant has not been reported in the literature in individuals affected with SCN1A-related conditions. Advanced modeling of protein sequence and biophysical properties (such as structural, functional, and spatial information, amino acid conservation, physicochemical variation, residue mobility, and thermodynamic stability) performed at Invitae indicates that this missense variant is not expected to disrupt SCN1A protein function with a negative predictive value of 95%. In summary, the available evidence is currently insufficient to determine the role of this variant in disease. Therefore, it has been classified as a Variant of Uncertain Significance.

NM_001165963.4(SCN1A):c.1976T>C (p.Val659Ala)

Gene: SCN1A (sodium voltage-gated channel alpha subunit 1; minus strand). Cytogenetic location: 2q24.3.
Variant type: single nucleotide variant.
Coding change: c.1976T>C on transcript NM_001165963.4 (MANE Select); coding-DNA position 1976, T replaced by C.
Protein change: p.Val659Ala; replaces valine 659 with alanine.
Molecular consequence: missense variant. On other transcripts: 5 prime UTR variant (1), non-coding transcript variant (1), intron variant (4).
Genome position (GRCh38, 1-based): chr2:166,043,736, A>G on the plus strand (T>C on the coding strand, the complement: SCN1A is on the minus strand). VCF-style: chr2-166043736-A-G. GRCh37 (hg19) VCF-style: chr2-166900246-A-G.
Other names: c.1976T>C, p.Val659Ala (NM_001202435.3, NM_001353948.2, NM_001353949.2 and 4 more transcripts); c.1973T>C, p.Val658Ala (NM_001353954.2, NM_001353955.2); c.-450T>C (NM_001353961.2); c.1959+17T>C (NM_001353958.2, NM_001353957.2, NM_001165964.3); c.1956+17T>C (NM_001353960.2); short protein forms V659A, V658A.
Identifiers: ClinVar variation 3017328 (VCV003017328.3), dbSNP rs2468150808, ClinGen allele CA349067170.
Genomic context (GRCh38, chr2:166,043,736, plus strand): 5'-TCAGTAGCTGGCTTATCTATTATCACCTCTGGCAGAAGCTGTCCAACAGGCGATGTAGGA[A>G]CTGAAGGTCCACCAACCAAGGAAACCACACCATTGCAATCCACAGTGCTGTGCATCTTCC-3'
Protein context (NP_001159435.1, residues 649-669): GVVSLVGGPS[Val659Ala]PTSPVGQLLP